The following is an entry in ClinVar:

ClinVar aggregate classification (germline): Benign/Likely benign. Review status: criteria provided, multiple submitters, no conflicts (2 of 4 stars). 4 submissions from 4 submitters: Benign (1); Likely benign (3). Last evaluated 2025-10-07.

Conditions:
Hereditary cancer-predisposing syndrome. Also called: Tumor predisposition; Neoplastic Syndromes, Hereditary; Hereditary Cancer Syndrome; Hereditary neoplastic syndrome. Identifiers: Orphanet 140162, MedGen C0027672, MeSH D009386, MONDO:0015356.
Fanconi anemia complementation group J. Also called: BRIP1-Related Fanconi Anemia. Identifiers: Orphanet 84, MedGen C1836860, MONDO:0012187, OMIM 609054.
Familial cancer of breast. Also called: BREAST CANCER, FAMILIAL; hereditary breast carcinoma; Hereditary breast cancer. Identifiers: Orphanet 227535, MedGen C0346153, MONDO:0016419, OMIM 114480. Disease mechanism: loss of function.

Submissions (4):

Ambry Genetics
Classification: Likely benign for Hereditary cancer-predisposing syndrome. Last evaluated: 2025-10-07. Review status: criteria provided, single submitter. Criteria: Ambry Variant Classification Scheme 2023. Collection method: clinical testing. Allele origin: germline.

Labcorp Genetics (formerly Invitae), Labcorp
Classification: Likely benign for Familial cancer of breast; Fanconi anemia complementation group J. Last evaluated: 2025-04-02. Review status: criteria provided, single submitter. Criteria: Invitae Variant Classification Sherloc (09022015). Collection method: clinical testing. Allele origin: germline.

Myriad Genetics, Inc.
Classification: Benign for Familial cancer of breast. Last evaluated: 2024-09-10. Review status: criteria provided, single submitter. Criteria: Myriad Autosomal Dominant, Autosomal Recessive and X-Linked Classification Criteria (2023). Collection method: clinical testing. Allele origin: unknown.
Comment: This variant is considered benign. This variant is a silent/synonymous amino acid change and it is not expected to impact splicing.

Color Diagnostics, LLC DBA Color Health
Classification: Likely benign for Hereditary cancer-predisposing syndrome. Last evaluated: 2015-07-22. Review status: criteria provided, single submitter. Criteria: ACMG Guidelines, 2015. Collection method: clinical testing. Allele origin: germline.

NM_032043.3(BRIP1):c.3225A>T (p.Ser1075=)

Gene: BRIP1 (BRCA1 interacting DNA helicase 1; minus strand). Cytogenetic location: 17q23.2.
Variant type: single nucleotide variant.
Coding change: c.3225A>T on transcript NM_032043.3 (MANE Select); coding-DNA position 3225, A replaced by T.
Protein change: p.Ser1075=; no amino-acid change (serine 1075 retained).
Molecular consequence: synonymous variant.
Genome position (GRCh38, 1-based): chr17:61,683,821, T>A on the plus strand (A>T on the coding strand, the complement: BRIP1 is on the minus strand). VCF-style: chr17-61683821-T-A. GRCh37 (hg19) VCF-style: chr17-59761182-T-A.
Identifiers: ClinVar variation 491463 (VCV000491463.14), dbSNP rs1291039468, ClinGen allele CA501335281.